The following is an entry in ClinVar:

NM_020922.5(WNK3):c.2785C>T (p.Arg929Cys)

Gene: WNK3 (WNK lysine deficient protein kinase 3; minus strand). Cytogenetic location: Xp11.22.
Variant type: single nucleotide variant.
Coding change: c.2785C>T on transcript NM_020922.5 (MANE Select); coding-DNA position 2785, C replaced by T.
Protein change: p.Arg929Cys; replaces arginine 929 with cysteine.
Molecular consequence: missense variant.
Genome position (GRCh38, 1-based): chrX:54,249,563, G>A on the plus strand (C>T on the coding strand, the complement: WNK3 is on the minus strand). VCF-style: chrX-54249563-G-A. GRCh37 (hg19) VCF-style: chrX-54275996-G-A.
Other names: c.2785C>T, p.Arg929Cys (NM_001002838.4, NM_001395166.1); short protein forms R929C.
Identifiers: ClinVar variation 3376365 (VCV003376365.1).
Genomic context (GRCh38, chrX:54,249,563, plus strand): 5'-ATTCAGAAATCTTACCATCAACCACATCCTTGTGTTCTGATTTGGAGGTGAAAAGTGCAC[G>A]GTGGCATGGATTATTTTCTATAGTGAGCAATGTGTCCCGTGATATTTCCTTATTACTTGT-3'
Protein context (NP_065973.2, residues 919-939): LLTIENNPCH[Arg929Cys]ALFTSKSEHK

ClinVar aggregate classification (germline): Uncertain significance (1 of 4 stars; one submission).

Conditions:
Prieto syndrome. Also called: MENTAL RETARDATION, X-LINKED, SYNDROMIC 2. Identifiers: Orphanet 2958, MedGen C1839730, MONDO:0010667, OMIM 309610.

gnomAD v4.1: 5 of 1,211,324 alleles (0.00041%); highest among the groups gnomAD compares: South Asian, 0.0018%; no homozygotes.

Submission:

Pittsburgh Clinical Genomics Laboratory, University of Pittsburgh Medical Center
Classification: Uncertain significance for Prieto syndrome. Last evaluated: 2024-02-05. Review status: criteria provided, single submitter. Criteria: ACMG Guidelines, 2015. Collection method: clinical testing. Allele origin: germline. Inheritance: X-linked recessive inheritance. Affected: yes.
Comment: This sequence variant is a single nucleotide substitution (C>T) at position 2785 of the coding sequence of the WNK3 gene that results in an arginine to cysteine amino acid change at residue 929 of the WNK lysine deficient protein kinase 3 protein. This variant is absent from ClinVar and published literature. This variant is present in 5 of 1098055 alleles (0.0005%), including 1 hemizygote, in the gnomAD v4.0.0 population dataset. Bioinformatic tools are inconclusive if this variant is likely to be damaging or tolerated, and the Arg929 residue at this position is moderately conserved across the vertebrate species examined. Studies examining the functional consequence of this variant have not been performed, to our knowledge. At this time, there is insufficient evidence to determine if this variant is pathogenic or benign. Therefore, we consider this a variant of uncertain significance. ACMG Criteria: PM2